The following is an entry in ClinVar:

NM_004937.3(CTNS):c.289C>T (p.Leu97Phe)

Genes: CTNS (cystinosin, lysosomal cystine transporter; plus strand), CTNS-AS1 (CTNS antisense RNA 1; minus strand). Cytogenetic location: 17p13.2.
Variant type: single nucleotide variant.
Coding change: c.289C>T on transcript NM_004937.3 (MANE Select); coding-DNA position 289, C replaced by T.
Protein change: p.Leu97Phe; replaces leucine 97 with phenylalanine.
Molecular consequence: missense variant. On other transcripts: 5 prime UTR variant (4).
Genome position (GRCh38, 1-based): chr17:3,655,061, C>T. VCF-style: chr17-3655061-C-T. GRCh37 (hg19) VCF-style: chr17-3558355-C-T.
Other names: c.289C>T, p.Leu97Phe (NM_001031681.3, NM_001374492.1); c.-153C>T (NM_001374493.1, NM_001374494.1, NM_001374495.1 and 1 more transcripts); short protein forms L97F.
Identifiers: ClinVar variation 2111174 (VCV002111174.4), dbSNP rs2076094086, ClinGen allele CA397690186.

ClinVar aggregate classification (germline): Uncertain significance (1 of 4 stars; one submission).

Conditions:
Inborn genetic diseases. Identifiers: MedGen C0950123, MeSH D030342.
Ocular cystinosis. Also called: Non-Nephropathic Cystinosis; Non-Nephropathic (Ocular) Cystinosis. Identifiers: Orphanet 213, Orphanet 411641, MedGen C2931013, MONDO:0009064, OMIM 219750.
Juvenile nephropathic cystinosis. Also called: Intermediate Cystinosis; CYSTINOSIS, LATE-ONSET JUVENILE OR ADOLESCENT NEPHROPATHIC TYPE; Later-Onset (Juvenile) Cystinosis. Identifiers: Orphanet 213, Orphanet 411634, MedGen C0268626, MONDO:0009066, OMIM 219900.

Submission:

Labcorp Genetics (formerly Invitae), Labcorp
Classification: Uncertain significance for Inborn genetic diseases; Ocular cystinosis; Juvenile nephropathic cystinosis. Last evaluated: 2022-03-17. Review status: criteria provided, single submitter. Criteria: Invitae Variant Classification Sherloc (09022015). Collection method: clinical testing. Allele origin: germline.
Comment: In summary, the available evidence is currently insufficient to determine the role of this variant in disease. Therefore, it has been classified as a Variant of Uncertain Significance. Advanced modeling of protein sequence and biophysical properties (such as structural, functional, and spatial information, amino acid conservation, physicochemical variation, residue mobility, and thermodynamic stability) performed at Invitae indicates that this missense variant is not expected to disrupt CTNS protein function. This variant has not been reported in the literature in individuals affected with CTNS-related conditions. This variant is not present in population databases (gnomAD no frequency). This sequence change replaces leucine, which is neutral and non-polar, with phenylalanine, which is neutral and non-polar, at codon 97 of the CTNS protein (p.Leu97Phe).